The following is an entry in ClinVar:

NM_024537.4(CARS2):c.1430A>G (p.Asp477Gly)

Gene: CARS2 (cysteinyl-tRNA synthetase 2, mitochondrial; minus strand). Cytogenetic location: 13q34.
Variant type: single nucleotide variant.
Coding change: c.1430A>G on transcript NM_024537.4 (MANE Select); coding-DNA position 1430, A replaced by G.
Protein change: p.Asp477Gly; replaces aspartic acid 477 with glycine.
Molecular consequence: missense variant. On other transcripts: non-coding transcript variant (2).
Genome position (GRCh38, 1-based): chr13:110,642,508, T>C on the plus strand (A>G on the coding strand, the complement: CARS2 is on the minus strand). VCF-style: chr13-110642508-T-C. GRCh37 (hg19) VCF-style: chr13-111294855-T-C.
Other names: c.644A>G, p.Asp215Gly (NM_001352252.2); short protein forms D477G, D215G.
Identifiers: ClinVar variation 934649 (VCV000934649.7), dbSNP rs1887500330, ClinGen allele CA388740568.

ClinVar aggregate classification (germline): Uncertain significance. Review status: criteria provided, multiple submitters, no conflicts (2 of 4 stars). 2 submissions from 2 submitters: Uncertain significance (2). Last evaluated 2021-08-31.

Conditions:
Combined oxidative phosphorylation defect type 27. Also called: Combined oxidative phosphorylation deficiency 27. Identifiers: Orphanet 477774, MedGen C5567608, MONDO:0014728, OMIM 616672.

Allele frequency attached by ClinVar (database versions not stated): gnomAD exomes below 0.00001.
gnomAD v4.1: 1 of 1,608,128 alleles (0.000062%); highest among the groups gnomAD compares: Non-Finnish European, 0.000085%; no homozygotes.

Submissions (2):

Labcorp Genetics (formerly Invitae), Labcorp
Classification: Uncertain significance for Combined oxidative phosphorylation defect type 27. Last evaluated: 2021-08-31. Review status: criteria provided, single submitter. Criteria: Invitae Variant Classification Sherloc (09022015). Collection method: clinical testing. Allele origin: germline.
Comment: This sequence change replaces aspartic acid with glycine at codon 477 of the CARS2 protein (p.Asp477Gly). The aspartic acid residue is moderately conserved and there is a moderate physicochemical difference between aspartic acid and glycine. This variant is not present in population databases (ExAC no frequency). This variant has not been reported in the literature in individuals affected with CARS2-related conditions. Algorithms developed to predict the effect of missense changes on protein structure and function (SIFT, PolyPhen-2, Align-GVGD) all suggest that this variant is likely to be tolerated. In summary, the available evidence is currently insufficient to determine the role of this variant in disease. Therefore, it has been classified as a Variant of Uncertain Significance.

Breakthrough Genomics
Classification: Uncertain significance. Review status: criteria provided, single submitter. Criteria: ACMG Guidelines, 2015. Collection method: not provided. Allele origin: germline. Inheritance: Autosomal recessive inheritance. Affected: yes.